The following is an entry in ClinVar:

ClinVar aggregate classification (germline): Uncertain significance (1 of 4 stars; one submission).

Allele frequency attached by ClinVar (database versions not stated): ExAC 0.00001; gnomAD 0.00001; gnomAD exomes 0.00001; TOPMed 0.00001.
gnomAD v4.1: 9 of 1,614,114 alleles (0.00056%); highest among the groups gnomAD compares: Admixed American, 0.0033%; no homozygotes.

Submission:

Labcorp Genetics (formerly Invitae), Labcorp
Classification: Uncertain significance. Last evaluated: 2021-05-29. Review status: criteria provided, single submitter. Criteria: Invitae Variant Classification Sherloc (09022015). Collection method: clinical testing. Allele origin: germline.
Comment: In summary, the available evidence is currently insufficient to determine the role of this variant in disease. Therefore, it has been classified as a Variant of Uncertain Significance. Algorithms developed to predict the effect of sequence changes on RNA splicing suggest that this variant may create or strengthen a splice site, but this prediction has not been confirmed by published transcriptional studies. This sequence change replaces isoleucine with valine at codon 134 of the TALDO1 protein (p.Ile134Val). The isoleucine residue is moderately conserved and there is a small physicochemical difference between isoleucine and valine. The frequency data for this variant in the population databases is considered unreliable, as metrics indicate poor data quality at this position in the ExAC database. This variant has not been reported in the literature in individuals with TALDO1-related conditions. Algorithms developed to predict the effect of missense changes on protein structure and function output the following: SIFT: "Tolerated"; PolyPhen-2: "Benign"; Align-GVGD: "Class C0". The valine amino acid residue is found in multiple mammalian species, suggesting that this missense change does not adversely affect protein function. These predictions have not been confirmed by published functional studies and their clinical significance is uncertain.

NM_006755.2(TALDO1):c.400A>G (p.Ile134Val)

Gene: TALDO1 (transaldolase 1; plus strand). Cytogenetic location: 11p15.5.
Variant type: single nucleotide variant.
Coding change: c.400A>G on transcript NM_006755.2 (MANE Select); coding-DNA position 400, A replaced by G.
Protein change: p.Ile134Val; replaces isoleucine 134 with valine.
Molecular consequence: missense variant.
Genome position (GRCh38, 1-based): chr11:760,192, A>G. VCF-style: chr11-760192-A-G. GRCh37 (hg19) VCF-style: chr11-760192-A-G.
Other names: short protein forms I134V.
Identifiers: ClinVar variation 1522175 (VCV001522175.8), dbSNP rs748093653, ClinGen allele CA5788126.